The following is an entry in ClinVar:

ClinVar aggregate classification (germline): Uncertain significance. Review status: criteria provided, multiple submitters, no conflicts (2 of 4 stars). 2 submissions from 2 submitters: Uncertain significance (2). Last evaluated 2024-07-11.

Conditions:
Inborn genetic diseases. Identifiers: MedGen C0950123, MeSH D030342.

Allele frequency attached by ClinVar (database versions not stated): gnomAD exomes below 0.00001; gnomAD 0.00004; TOPMed 0.00008.
gnomAD v4.1: 13 of 1,614,070 alleles (0.00081%); highest among the groups gnomAD compares: African/African-American, 0.015%; no homozygotes.

Submissions (2):

GeneDx
Classification: Uncertain significance. Last evaluated: 2024-07-11. Review status: criteria provided, single submitter. Criteria: GeneDx Variant Classification Process June 2021. Collection method: clinical testing. Allele origin: germline. Affected: yes.
Comment: In silico analysis indicates that this missense variant does not alter protein structure/function; Has not been previously published as pathogenic or benign to our knowledge

Ambry Genetics
Classification: Uncertain significance for Inborn genetic diseases. Last evaluated: 2023-06-30. Review status: criteria provided, single submitter. Criteria: Ambry Variant Classification Scheme 2023. Collection method: clinical testing. Allele origin: germline.

NM_006618.5(KDM5B):c.2362A>G (p.Met788Val)

Gene: KDM5B (lysine demethylase 5B; minus strand). Cytogenetic location: 1q32.1.
Variant type: single nucleotide variant.
Coding change: c.2362A>G on transcript NM_006618.5 (MANE Select); coding-DNA position 2362, A replaced by G.
Protein change: p.Met788Val; replaces methionine 788 with valine.
Molecular consequence: missense variant.
Genome position (GRCh38, 1-based): chr1:202,742,767, T>C on the plus strand (A>G on the coding strand, the complement: KDM5B is on the minus strand). VCF-style: chr1-202742767-T-C. GRCh37 (hg19) VCF-style: chr1-202711895-T-C.
Other names: c.2470A>G, p.Met824Val (NM_001314042.2); c.2227A>G, p.Met743Val (NM_001347591.2); c.2347A>G, p.Met783Val (NM_001399817.1); short protein forms M783V, M824V, M743V, M788V.
Identifiers: ClinVar variation 2602818 (VCV002602818.3), dbSNP rs953280014, ClinGen allele CA35579721.
Genomic context (GRCh38, chr1:202,742,767, plus strand): 5'-CTGCATCCTGTGTGACTAGGCGAAGGTGTCGCAAAAGATCATTGTCTGGGAATTTCTTCA[T>C]TTCAGATTCTTCAATTAAAGCCTTGAAGCTGACAAGGCCTAGGAATGAAGAAAAAAGTCA-3'
Protein context (NP_006609.3, residues 778-798): SFKALIEESE[Met788Val]KKFPDNDLLR